The following is an entry in ClinVar:

NM_024685.4(BBS10):c.569T>C (p.Ile190Thr)

Gene: BBS10 (Bardet-Biedl syndrome 10; minus strand). Cytogenetic location: 12q21.2.
Variant type: single nucleotide variant.
Coding change: c.569T>C on transcript NM_024685.4 (MANE Select); coding-DNA position 569, T replaced by C.
Protein change: p.Ile190Thr; replaces isoleucine 190 with threonine.
Molecular consequence: missense variant.
Genome position (GRCh38, 1-based): chr12:76,347,416, A>G on the plus strand (T>C on the coding strand, the complement: BBS10 is on the minus strand). VCF-style: chr12-76347416-A-G. GRCh37 (hg19) VCF-style: chr12-76741196-A-G.
Other names: p.Ile190Thr; short protein forms I190T.
Identifiers: ClinVar variation 1710500 (VCV001710500.3), dbSNP rs2540956687, ClinGen allele CA385814897.

ClinVar aggregate classification (germline): Likely pathogenic (1 of 4 stars; one submission).

Conditions:
Bardet-Biedl syndrome 10 (BBS10). Identifiers: Orphanet 110, MedGen C1859568, MONDO:0014438, OMIM 615987.

Submission:

Foundation for Research in Genetics and Endocrinology, FRIGE's Institute of Human Genetics
Classification: Likely pathogenic for Bardet-Biedl syndrome 10. Last evaluated: 2021-03-30. Review status: criteria provided, single submitter. Criteria: ACMG Guidelines, 2015. Collection method: clinical testing. Allele origin: germline. Inheritance: Autosomal recessive inheritance. Affected: yes. Observed: 1 compound heterozygote.
Comment: A heterozygous missense variation in exon 2 of the BBS10 gene that results in the amino acid substitution of Threonine for Isoleucine at codon 190 was detected. This variant has not been reported in the 1000 genomes and gnomAD databases. The in silico prediction of the variant is damaging by Polyphen2 and damaging by SIFT and MutationTaster2. The reference region is conserved across species. In summary, this variant is classified as a likely pathogenic variant.